The following is an entry in ClinVar:

NM_001378964.1(CDON):c.*2264C>T

Gene: CDON (cell adhesion associated, oncogene regulated; minus strand). Cytogenetic location: 11q24.2.
Variant type: single nucleotide variant.
Coding change: c.*2264C>T on transcript NM_001378964.1 (MANE Select); 2264 bases downstream of the stop codon, C replaced by T.
Molecular consequence: 3 prime UTR variant.
Genome position (GRCh38, 1-based): chr11:125,958,678, G>A on the plus strand (C>T on the coding strand, the complement: CDON is on the minus strand). VCF-style: chr11-125958678-G-A. GRCh37 (hg19) VCF-style: chr11-125828573-G-A.
Other names: c.*2264C>T (NM_001243597.3, NM_016952.6).
Identifiers: ClinVar variation 303445 (VCV000303445.5), dbSNP rs185017679, ClinGen allele CA10638359.
Genomic context (GRCh38, chr11:125,958,678, plus strand): 5'-AATATATAAAGGCATTTTTTATAAATAAAATACAATAAAAAGAATAACACTTAAAACAGC[G>A]TTACTAATAATATAAATAAAGCAGTCCACAATGAGATTGTCCTAAAGGTAAAGCCATTTT-3'

ClinVar aggregate classification (germline): Benign (1 of 4 stars; one submission).

Conditions:
Holoprosencephaly 11 (HPE11). Identifiers: Orphanet 2162, MedGen C3280215, MONDO:0013642, OMIM 614226.

Allele frequency attached by ClinVar (database versions not stated): 1000 Genomes Project 30x 0.00062; gnomAD 0.00065 and 0.00067; 1000 Genomes Project 0.00080; TOPMed 0.00078.

Submission:

Illumina Laboratory Services, Illumina
Classification: Benign for Holoprosencephaly 11. Last evaluated: 2018-01-13. Review status: criteria provided, single submitter. Criteria: ICSL Variant Classification Criteria 13 December 2019. Collection method: clinical testing. Allele origin: germline.
Comment: This variant was observed in the ICSL laboratory as part of a predisposition screen in an ostensibly healthy population. It had not been previously curated by ICSL or reported in the Human Gene Mutation Database (HGMD: prior to June 1st, 2018), and was therefore a candidate for classification through an automated scoring system. Utilizing variant allele frequency, disease prevalence and penetrance estimates, and inheritance mode, an automated score was calculated to assess if this variant is too frequent to cause the disease. Based on the score and internal cut-off values, a variant classified as benign is not then subjected to further curation. The score for this variant resulted in a classification of benign for this disease.